The following is an entry in ClinVar:

ClinVar aggregate classification (germline): Likely benign. Review status: criteria provided, multiple submitters, no conflicts (2 of 4 stars). 4 submissions from 4 submitters: Likely benign (3). 1 of the submissions does not count toward it. Last evaluated 2026-04-01.

Conditions:
TANC2-related disorder. Also called: TANC2-related condition.
Inborn genetic diseases. Identifiers: MedGen C0950123, MeSH D030342.

Allele frequency attached by ClinVar (database versions not stated): gnomAD exomes 0.00008 and 0.00021; ExAC 0.00028; gnomAD 0.00073 and 0.00078; 1000 Genomes Project 30x 0.00094; TOPMed 0.00095; ESP Exome Variant Server 0.00098; 1000 Genomes Project 0.00100.
gnomAD v4.1: 222 of 1,613,992 alleles (0.014%); highest among the groups gnomAD compares: African/African-American, 0.27%; 1 homozygote.

Submissions (4):

CeGaT Center for Human Genetics Tuebingen
Classification: Likely benign. Last evaluated: 2026-04-01. Review status: criteria provided, single submitter. Criteria: CeGaT Center For Human Genetics Tuebingen Variant Classification Criteria Version 2. Collection method: clinical testing. Allele origin: germline. Affected: yes. Observed: 2 variant alleles.
Comment: TANC2: BS1

Ambry Genetics
Classification: Likely benign for Inborn genetic diseases. Last evaluated: 2024-03-30. Review status: criteria provided, single submitter. Criteria: Ambry Variant Classification Scheme 2023. Collection method: clinical testing. Allele origin: germline.

Labcorp Genetics (formerly Invitae), Labcorp
Classification: Likely benign. Last evaluated: 2018-02-25. Review status: criteria provided, single submitter. Criteria: Invitae Variant Classification Sherloc (09022015). Collection method: clinical testing. Allele origin: germline.

PreventionGenetics, part of Exact Sciences
Classification: Likely benign for TANC2-related condition. Last evaluated: 2021-02-18. Review status: no assertion criteria provided. Collection method: clinical testing. Allele origin: germline. Not counted in ClinVar's aggregate classification.
Comment: This variant is classified as likely benign based on ACMG/AMP sequence variant interpretation guidelines (Richards et al. 2015 PMID: 25741868, with internal and published modifications).

NM_001394998.1(TANC2):c.2920A>G (p.Met974Val)

Genes: TANC2 (tetratricopeptide repeat, ankyrin repeat and coiled-coil containing 2; plus strand), LOC105371856 (uncharacterized LOC105371856; minus strand). Cytogenetic location: 17q23.3.
Variant type: single nucleotide variant.
Coding change: c.2920A>G on transcript NM_001394998.1 (MANE Select); coding-DNA position 2920, A replaced by G.
Protein change: p.Met974Val; replaces methionine 974 with valine.
Molecular consequence: missense variant.
Genome position (GRCh38, 1-based): chr17:63,389,413, A>G. VCF-style: chr17-63389413-A-G. GRCh37 (hg19) VCF-style: chr17-61466774-A-G.
Other names: c.2698A>G, p.Met900Val (NM_025185.4); short protein forms M900V, M974V.
Identifiers: ClinVar variation 735188 (VCV000735188.9), dbSNP rs114552067, ClinGen allele CA8697876.
Genomic context (GRCh38, chr17:63,389,413, plus strand): 5'-ACAGAGGTTTTAAATAATGCTCCAATTCTATGTGTTCAGTCCCATCTTGGTTACACAGAA[A>G]TGGTAGCCCTGCTGCTGGAGTTCGGGGCCAACGTGGATGCCTCTTCTGAAAGTGGCCTGA-3'
Protein context (NP_001381927.1, residues 964-984): CVQSHLGYTE[Met974Val]VALLLEFGAN